The following is an entry in ClinVar:

ClinVar aggregate classification (germline): Uncertain significance. Review status: criteria provided, multiple submitters, no conflicts (2 of 4 stars). 2 submissions from 2 submitters: Uncertain significance (2). Last evaluated 2023-07-26.

Conditions:
Hereditary pancreatitis (PCTT). Also called: Hereditary chronic pancreatitis; PRSS1-Related Hereditary Pancreatitis. Identifiers: Orphanet 676, MedGen C0238339, MONDO:0008185, OMIM 167800.

Allele frequency attached by ClinVar (database versions not stated): gnomAD exomes below 0.00001.
gnomAD v4.1: 5 of 1,614,004 alleles (0.00031%); highest among the groups gnomAD compares: South Asian, 0.0044%; no homozygotes.

Submissions (2):

Ambry Genetics
Classification: Uncertain significance for Hereditary pancreatitis. Last evaluated: 2023-07-26. Review status: criteria provided, single submitter. Criteria: Ambry Variant Classification Scheme 2023. Collection method: clinical testing. Allele origin: germline.
Comment: The p.G260D variant (also known as c.779G>A), located in coding exon 7 of the CPA1 gene, results from a G to A substitution at nucleotide position 779. The glycine at codon 260 is replaced by aspartic acid, an amino acid with similar properties. This amino acid position is conserved. In addition, this alteration is predicted to be tolerated by in silico analysis. Since supporting evidence is limited at this time, the clinical significance of this alteration remains unclear.

Labcorp Genetics (formerly Invitae), Labcorp
Classification: Uncertain significance. Last evaluated: 2022-06-15. Review status: criteria provided, single submitter. Criteria: Invitae Variant Classification Sherloc (09022015). Collection method: clinical testing. Allele origin: germline.
Comment: This sequence change replaces glycine, which is neutral and non-polar, with aspartic acid, which is acidic and polar, at codon 260 of the CPA1 protein (p.Gly260Asp). This variant is present in population databases (no rsID available, gnomAD 0.003%). Algorithms developed to predict the effect of sequence changes on RNA splicing suggest that this variant may create or strengthen a splice site. Algorithms developed to predict the effect of missense changes on protein structure and function are either unavailable or do not agree on the potential impact of this missense change (SIFT: "Deleterious"; PolyPhen-2: "Possibly Damaging"; Align-GVGD: "Class C15"). This variant has not been reported in the literature in individuals affected with CPA1-related conditions. In summary, the available evidence is currently insufficient to determine the role of this variant in disease. Therefore, it has been classified as a Variant of Uncertain Significance.

NM_001868.4(CPA1):c.779G>A (p.Gly260Asp)

Gene: CPA1 (carboxypeptidase A1; plus strand). Cytogenetic location: 7q32.2.
Variant type: single nucleotide variant.
Coding change: c.779G>A on transcript NM_001868.4 (MANE Select); coding-DNA position 779, G replaced by A.
Protein change: p.Gly260Asp; replaces glycine 260 with aspartic acid.
Molecular consequence: missense variant.
Genome position (GRCh38, 1-based): chr7:130,384,618, G>A. VCF-style: chr7-130384618-G-A. GRCh37 (hg19) VCF-style: chr7-130024459-G-A.
Other names: c.779G>A (NM_001868.2); short protein forms G260D.
Identifiers: ClinVar variation 1507781 (VCV001507781.9), dbSNP rs1554411743, ClinGen allele CA369283055.